The following is an entry in ClinVar:

NM_001130144.3(LTBP3):c.3578G>A (p.Ser1193Asn)

Gene: LTBP3 (latent transforming growth factor beta binding protein 3; minus strand). Cytogenetic location: 11q13.1.
Variant type: single nucleotide variant.
Coding change: c.3578G>A on transcript NM_001130144.3 (MANE Select); coding-DNA position 3578, G replaced by A.
Protein change: p.Ser1193Asn; replaces serine 1193 with asparagine.
Molecular consequence: missense variant.
Genome position (GRCh38, 1-based): chr11:65,539,598, C>T on the plus strand (G>A on the coding strand, the complement: LTBP3 is on the minus strand). VCF-style: chr11-65539598-C-T. GRCh37 (hg19) VCF-style: chr11-65307069-C-T.
Other names: c.3086G>A, p.Ser1029Asn (NM_001164266.1); c.3437G>A, p.Ser1146Asn (NM_021070.4); c.3578G>A (NM_001130144.2); short protein forms S1146N, S1029N, S1193N.
Identifiers: ClinVar variation 2957239 (VCV002957239.4), dbSNP rs751533168, ClinGen allele CA381266570.

ClinVar aggregate classification (germline): Uncertain significance. Review status: criteria provided, multiple submitters, no conflicts (2 of 4 stars). 2 submissions from 2 submitters: Uncertain significance (2). Last evaluated 2025-12-20.

Conditions:
Inborn genetic diseases. Identifiers: MedGen C0950123, MeSH D030342.
Brachyolmia-amelogenesis imperfecta syndrome. Also called: Tooth agenesis, selective, 6; Dental anomalies and short stature; PLATYSPONDYLY WITH AMELOGENESIS IMPERFECTA. Identifiers: Orphanet 2899, MedGen C1832594, MONDO:0011018, OMIM 601216. Disease mechanism: loss of function.

Allele frequency attached by ClinVar (database versions not stated): TOPMed below 0.00001.
gnomAD v4.1: 3 of 1,612,650 alleles (0.00019%); highest among the groups gnomAD compares: Non-Finnish European, 0.00025%; no homozygotes.

Submissions (2):

Labcorp Genetics (formerly Invitae), Labcorp
Classification: Uncertain significance for Brachyolmia-amelogenesis imperfecta syndrome. Last evaluated: 2025-12-20. Review status: criteria provided, single submitter. Criteria: Invitae Variant Classification Sherloc (09022015). Collection method: clinical testing. Allele origin: germline.
Comment: This sequence change replaces serine, which is neutral and polar, with asparagine, which is neutral and polar, at codon 1193 of the LTBP3 protein (p.Ser1193Asn). This variant is not present in population databases (gnomAD no frequency). This variant has not been reported in the literature in individuals affected with LTBP3-related conditions. ClinVar contains an entry for this variant (Variation ID: 2957239). An algorithm developed to predict the effect of missense changes on protein structure and function (PolyPhen-2) suggests that this variant is likely to be disruptive. In summary, the available evidence is currently insufficient to determine the role of this variant in disease. Therefore, it has been classified as a Variant of Uncertain Significance.

Ambry Genetics
Classification: Uncertain significance for Inborn genetic diseases. Last evaluated: 2024-01-11. Review status: criteria provided, single submitter. Criteria: Ambry Variant Classification Scheme 2023. Collection method: clinical testing. Allele origin: germline.
Comment: The p.S1193N variant (also known as c.3578G>A), located in coding exon 26 of the LTBP3 gene, results from a G to A substitution at nucleotide position 3578. The serine at codon 1193 is replaced by asparagine, an amino acid with highly similar properties. This amino acid position is conserved. In addition, this alteration is predicted to be tolerated by in silico analysis. Since supporting evidence is limited at this time, the clinical significance of this alteration remains unclear.